The following is an entry in ClinVar:

ClinVar aggregate classification (germline): Likely pathogenic (1 of 4 stars; one submission).

Conditions:
TP63-Related Spectrum Disorders.

Submission:

Labcorp Genetics (formerly Invitae), Labcorp
Classification: Likely pathogenic. Last evaluated: 2022-11-29. Review status: criteria provided, single submitter. Criteria: Invitae Variant Classification Sherloc (09022015). Collection method: clinical testing. Allele origin: germline.
Comment: In summary, the currently available evidence indicates that the variant is pathogenic, but additional data are needed to prove that conclusively. Therefore, this variant has been classified as Likely Pathogenic. This variant disrupts the p.Arg319 amino acid residue in TP63. Other variant(s) that disrupt this residue have been determined to be pathogenic (PMID: 10839977, 12161593, 18626511). This suggests that this residue is clinically significant, and that variants that disrupt this residue are likely to be disease-causing. Advanced modeling of protein sequence and biophysical properties (such as structural, functional, and spatial information, amino acid conservation, physicochemical variation, residue mobility, and thermodynamic stability) performed at Invitae indicates that this missense variant is expected to disrupt TP63 protein function. This variant has not been reported in the literature in individuals affected with TP63-related conditions. This variant is not present in population databases (gnomAD no frequency). This sequence change replaces arginine, which is basic and polar, with proline, which is neutral and non-polar, at codon 319 of the TP63 protein (p.Arg319Pro).

Literature cited by the submitters: PubMed 10839977; PubMed 12161593; PubMed 18626511.

NM_003722.5(TP63):c.956G>C (p.Arg319Pro)

Gene: TP63 (tumor protein p63; plus strand). Cytogenetic location: 3q28.
Variant type: single nucleotide variant.
Coding change: c.956G>C on transcript NM_003722.5 (MANE Select); coding-DNA position 956, G replaced by C.
Protein change: p.Arg319Pro; replaces arginine 319 with proline.
Molecular consequence: missense variant.
Genome position (GRCh38, 1-based): chr3:189,867,906, G>C. VCF-style: chr3-189867906-G-C. GRCh37 (hg19) VCF-style: chr3-189585695-G-C.
Other names: c.956G>C, p.Arg319Pro (NM_001114978.2, NM_001114979.2, NM_001329144.2 and 1 more transcripts); c.674G>C, p.Arg225Pro (NM_001114980.2, NM_001114981.2, NM_001114982.2 and 2 more transcripts); c.419G>C, p.Arg140Pro (NM_001329146.2, NM_001329150.2); c.950G>C, p.Arg317Pro (NM_001329964.2); short protein forms R140P, R317P, R225P, R319P.
Identifiers: ClinVar variation 2025488 (VCV002025488.3), dbSNP rs886039442, ClinGen allele CA355755001.